The following is an entry in ClinVar:

ClinVar aggregate classification (germline): other (0 of 4 stars; one submission).

Conditions:
Familial colorectal cancer. Identifiers: MedGen CN280943, MONDO:0023113. Disease mechanism: loss of function.

Submission:

Systems Biology Platform Zhejiang California International NanoSystems Institute
Classification: other for Familial colorectal cancer. Review status: no assertion criteria provided. Collection method: not provided. Allele origin: unknown.
ClinVar note: Converted during submission from cancer to other.

NM_000038.6(APC):c.730-2624C>A

Gene: APC (APC regulator of WNT signaling pathway; plus strand). Cytogenetic location: 5q22.2.
Variant type: single nucleotide variant.
Coding change: c.730-2624C>A on transcript NM_000038.6 (MANE Select); 2624 bases into the intron before coding-DNA position 730, C replaced by A.
Molecular consequence: intron variant.
Genome position (GRCh38, 1-based): chr5:112,798,655, C>A. VCF-style: chr5-112798655-C-A. GRCh37 (hg19) VCF-style: chr5-112134352-C-A.
Other names: c.730-2624C>A (NM_001354895.2, NM_001127510.3, NM_001354896.2 and 1 more transcripts); c.760-2624C>A (NM_001354897.2, NM_001354902.2); c.676-2624C>A (NM_001127511.3); c.655-2624C>A (NM_001354898.2, NM_001354904.2); c.-306-2624C>A (NM_001354906.2); c.646-2624C>A (NM_001354899.2); c.553-2624C>A (NM_001354900.2, NM_001354901.2, NM_001354905.2).
Identifiers: ClinVar variation 83024 (VCV000083024.2), dbSNP rs77181172, ClinGen allele CA013505.